The following is an entry in ClinVar:

NM_153704.6(TMEM67):c.1638del (p.Gly545_Trp546insTer)

Gene: TMEM67 (transmembrane protein 67; plus strand). Cytogenetic location: 8q22.1.
Variant type: Deletion.
Coding change: c.1638del on transcript NM_153704.6 (MANE Select); coding-DNA position 1638, one base deleted (G; older notation c.1638delG).
Protein change: p.Gly545_Trp546insTer.
Molecular consequence: nonsense. On other transcripts: non-coding transcript variant (1).
Genome position (GRCh38, 1-based): chr8:93,793,260, G deleted; the last of 2 consecutive G bases (chr8:93,793,259-93,793,260); deleting either gives the same sequence. VCF-style (leftmost placement, unchanged base first): chr8-93793258-TG-T. GRCh37 (hg19) VCF-style: chr8-94805486-TG-T.
Other names: c.1395del, p.Gly464_Trp465insTer (NM_001142301.1).
Identifiers: ClinVar variation 1390145 (VCV001390145.6), dbSNP rs2130719298, ClinGen allele CA2573143472.

ClinVar aggregate classification (germline): Pathogenic (1 of 4 stars; one submission).

Conditions:
Joubert syndrome. Also called: CEREBELLOPARENCHYMAL DISORDER IV; JOUBERT-BOLTSHAUSER SYNDROME; Familial aplasia of the vermis. Identifiers: Orphanet 475, MedGen C5979921, MONDO:0018772.
Meckel-Gruber syndrome. Also called: DYSENCEPHALIA SPLANCHNOCYSTICA; GRUBER SYNDROME; Dysencephalia splachnocystica. Identifiers: Orphanet 564, MedGen C0265215, MONDO:0018921.

Submission:

Labcorp Genetics (formerly Invitae), Labcorp
Classification: Pathogenic for Joubert syndrome; Meckel-Gruber syndrome. Last evaluated: 2022-07-19. Review status: criteria provided, single submitter. Criteria: Invitae Variant Classification Sherloc (09022015). Collection method: clinical testing. Allele origin: germline.
Comment: For these reasons, this variant has been classified as Pathogenic. ClinVar contains an entry for this variant (Variation ID: 1390145). This variant has not been reported in the literature in individuals affected with TMEM67-related conditions. This variant is not present in population databases (gnomAD no frequency). This sequence change creates a premature translational stop signal (p.Trp546*) in the TMEM67 gene. It is expected to result in an absent or disrupted protein product. Loss-of-function variants in TMEM67 are known to be pathogenic (PMID: 20232449, 23559409).

Literature cited by the submitters: PubMed 20232449; PubMed 23559409.